The following is an entry in ClinVar:

NM_013275.6(ANKRD11):c.6593G>A (p.Arg2198Gln)

Gene: ANKRD11 (ankyrin repeat domain 11; minus strand). Cytogenetic location: 16q24.3.
Variant type: single nucleotide variant.
Coding change: c.6593G>A on transcript NM_013275.6 (MANE Select); coding-DNA position 6593, G replaced by A.
Protein change: p.Arg2198Gln; replaces arginine 2198 with glutamine.
Molecular consequence: missense variant.
Genome position (GRCh38, 1-based): chr16:89,279,949, C>T on the plus strand (G>A on the coding strand, the complement: ANKRD11 is on the minus strand). VCF-style: chr16-89279949-C-T. GRCh37 (hg19) VCF-style: chr16-89346357-C-T.
Other names: c.6593G>A, p.Arg2198Gln (NM_001256182.2, NM_001256183.2); c.6593G>A (NM_013275.4); short protein forms R2198Q.
Identifiers: ClinVar variation 3631946 (VCV003631946.3).

ClinVar aggregate classification (germline): Conflicting classifications of pathogenicity. Review status: criteria provided, conflicting classifications (1 of 4 stars). 2 submissions from 2 submitters: Uncertain significance (1); Likely benign (1). Last evaluated 2025-12-08.

Conditions:
Inborn genetic diseases. Identifiers: MedGen C0950123, MeSH D030342.
KBG syndrome (KBGS). Also called: ANKRD11-Related KBG Syndrome. Identifiers: Orphanet 2332, MedGen C0220687, MONDO:0007846, OMIM 148050.

gnomAD v4.1: 38 of 1,609,936 alleles (0.0024%); highest among the groups gnomAD compares: African/African-American, 0.02%; no homozygotes.

Submissions (2):

Labcorp Genetics (formerly Invitae), Labcorp
Classification: Uncertain significance for KBG syndrome. Last evaluated: 2025-12-08. Review status: criteria provided, single submitter. Criteria: Invitae Variant Classification Sherloc (09022015). Collection method: clinical testing. Allele origin: germline.
Comment: This sequence change replaces arginine, which is basic and polar, with glutamine, which is neutral and polar, at codon 2198 of the ANKRD11 protein (p.Arg2198Gln). This variant is present in population databases (rs751378641, gnomAD 0.01%). This variant has not been reported in the literature in individuals affected with ANKRD11-related conditions. ClinVar contains an entry for this variant (Variation ID: 3631946). Invitae Evidence Modeling of protein sequence and biophysical properties (such as structural, functional, and spatial information, amino acid conservation, physicochemical variation, residue mobility, and thermodynamic stability) indicates that this missense variant is not expected to disrupt ANKRD11 protein function with a negative predictive value of 95%. In summary, the available evidence is currently insufficient to determine the role of this variant in disease. Therefore, it has been classified as a Variant of Uncertain Significance.

Ambry Genetics
Classification: Likely benign for Inborn genetic diseases. Last evaluated: 2025-02-08. Review status: criteria provided, single submitter. Criteria: Ambry Variant Classification Scheme 2023. Collection method: clinical testing. Allele origin: germline.